The following is an entry in ClinVar:

ClinVar aggregate classification (germline): Likely benign. Review status: criteria provided, multiple submitters, no conflicts (2 of 4 stars). 3 submissions from 3 submitters: Likely benign (3). Last evaluated 2024-01-01.

Conditions:
Pyogenic arthritis-pyoderma gangrenosum-acne syndrome (PAPA). Also called: FAMILIAL RECURRENT ARTHRITIS; PAPA SYNDROME. Identifiers: Orphanet 69126, MedGen C1858361, MONDO:0011462, OMIM 604416.

Allele frequency attached by ClinVar (database versions not stated): TOPMed below 0.00001; gnomAD exomes 0.00001; gnomAD 0.00002.
gnomAD v4.1: 29 of 1,612,550 alleles (0.0018%); highest among the groups gnomAD compares: Non-Finnish European, 0.0024%; no homozygotes.

Submissions (3):

CeGaT Center for Human Genetics Tuebingen
Classification: Likely benign. Last evaluated: 2024-01-01. Review status: criteria provided, single submitter. Criteria: CeGaT Center For Human Genetics Tuebingen Variant Classification Criteria Version 2. Collection method: clinical testing. Allele origin: germline. Affected: yes. Observed: 1 variant allele.
Comment: PSTPIP1: BP4, BP7

Labcorp Genetics (formerly Invitae), Labcorp
Classification: Likely benign for Pyogenic arthritis-pyoderma gangrenosum-acne syndrome. Last evaluated: 2023-08-16. Review status: criteria provided, single submitter. Criteria: Invitae Variant Classification Sherloc (09022015). Collection method: clinical testing. Allele origin: germline.

GeneDx
Classification: Likely benign. Last evaluated: 2017-11-02. Review status: criteria provided, single submitter. Criteria: GeneDx Variant Classification (06012015). Collection method: clinical testing. Allele origin: germline. Affected: yes.
Comment: This variant is considered likely benign or benign based on one or more of the following criteria: it is a conservative change, it occurs at a poorly conserved position in the protein, it is predicted to be benign by multiple in silico algorithms, and/or has population frequency not consistent with disease.

NM_003978.5(PSTPIP1):c.792C>T (p.Asp264=)

Gene: PSTPIP1 (proline-serine-threonine phosphatase interacting protein 1; plus strand). Cytogenetic location: 15q24.3.
Variant type: single nucleotide variant.
Coding change: c.792C>T on transcript NM_003978.5 (MANE Select); coding-DNA position 792, C replaced by T.
Protein change: p.Asp264=; no amino-acid change (aspartic acid 264 retained).
Molecular consequence: synonymous variant.
Genome position (GRCh38, 1-based): chr15:77,032,348, C>T. VCF-style: chr15-77032348-C-T. GRCh37 (hg19) VCF-style: chr15-77324689-C-T.
Other names: c.792C>T (LRG_172t1); c.792C>T, p.Asp264= (NM_001321135.2); c.765C>T, p.Asp255= (NM_001321136.2); c.987C>T, p.Asp329= (NM_001321137.1).
Identifiers: ClinVar variation 513157 (VCV000513157.27), dbSNP rs1224633016, ClinGen allele CA491335947.
Genomic context (GRCh38, chr15:77,032,348, plus strand): 5'-CCTGCCCCAGCTCTACGAGGAAGTGCGGCTGACGCTGGAAGGCTGCAGCATAGACGCCGA[C>T]ATCGACAGTTTCATCCAGGCCAAGAGCACGGGCACAGAGCCCCCCGGTGAGGTCCGGCTT-3'
Protein context (NP_003969.2, residues 254-274): LTLEGCSIDA[Asp264=]IDSFIQAKST